The following is an entry in ClinVar:

NM_016120.4(RLIM):c.1067A>G (p.Tyr356Cys)

Gene: RLIM (ring finger protein, LIM domain interacting; minus strand). Cytogenetic location: Xq13.2.
Variant type: single nucleotide variant.
Coding change: c.1067A>G on transcript NM_016120.4 (MANE Select); coding-DNA position 1067, A replaced by G.
Protein change: p.Tyr356Cys; replaces tyrosine 356 with cysteine.
Molecular consequence: missense variant.
Genome position (GRCh38, 1-based): chrX:74,592,248, T>C on the plus strand (A>G on the coding strand, the complement: RLIM is on the minus strand). VCF-style: chrX-74592248-T-C. GRCh37 (hg19) VCF-style: chrX-73812083-T-C.
Other names: c.1067A>G, p.Tyr356Cys (NM_183353.3); short protein forms Y356C.
Identifiers: ClinVar variation 156224 (VCV000156224.3), dbSNP rs786205133, ClinGen allele CA199536.
Genomic context (GRCh38, chrX:74,592,248, plus strand): 5'-CTCACACCTGCCCGCTCAGAACGTGAAAATGTACGCCTAAAACCTCCTCGTTCACTTTCA[T>C]AGGTGACAGTGTTGTTTGGTGTCTGAGACCTAGACCGAGTTCTGCTGGCTATGCTATCTC-3'
Protein context (NP_057204.2, residues 346-366): RSQTPNNTVT[Tyr356Cys]ESERGGFRRT

ClinVar aggregate classification (germline): Pathogenic. Review status: criteria provided, single submitter (1 of 4 stars). 3 submissions from 3 submitters: Pathogenic (1). 2 of the submissions do not count toward it.

Conditions:
Global developmental delay (DD). Also called: Cognitive delay. Identifiers: MedGen C0557874, HP:0001263. Disease mechanism: loss of function.
Intellectual disability, X-linked 61 (TOKAS). Also called: TONNE-KALSCHEUER SYNDROME. Identifiers: MedGen C4283894, MONDO:0010506, OMIM 300978.
Non-syndromic X-linked intellectual disability (XLID). Also called: Mental retardation, nonsyndromic, X-linked. Identifiers: Orphanet 777, MedGen C3501611, MONDO:0019181.

Submissions (3):

Equipe Genetique des Anomalies du Developpement, Université de Bourgogne
Classification: Pathogenic for Global developmental delay. Review status: criteria provided, single submitter. Criteria: ACMG Guidelines, 2015. Collection method: clinical testing. Allele origin: maternal. Affected: yes.

OMIM
Classification: Pathogenic for TONNE-KALSCHEUER SYNDROME. Last evaluated: 2015-03-04. Review status: no assertion criteria provided. Collection method: literature only. Allele origin: germline. Not counted in ClinVar's aggregate classification.

Department of Clinical Science, University of Bergen
Classification: Likely pathogenic for X-linked intellectual disability. Review status: no assertion criteria provided. Collection method: research. Allele origin: germline. Affected: yes. Observed: 8 variant alleles. Clinical features observed: Slight dysmorphic facial features, severe feeding problems, autism. Not counted in ClinVar's aggregate classification.

Literature cited by the submitters: PubMed 25735484 (cited by OMIM and Department of Clinical Science, University of Bergen).